The following is an entry in ClinVar:

ClinVar aggregate classification (germline): Pathogenic. Review status: criteria provided, multiple submitters, no conflicts (2 of 4 stars). 2 submissions from 2 submitters: Pathogenic (2). Last evaluated 2024-09-22.

Conditions:
Early-infantile DEE. Also called: Early infantile epileptic encephalopathy with suppression bursts; Early infantile epileptic encephalopathy; Ohtahara syndrome. Identifiers: Orphanet 1934, MedGen C0393706, MONDO:0800491.
Severe myoclonic epilepsy in infancy (DRVT). Also called: Dravet syndrome; Epileptic encephalopathy, early infantile, 6 (Dravet syndrome); SEVERE MYOCLONIC EPILEPSY OF INFANCY; DEVELOPMENTAL AND EPILEPTIC ENCEPHALOPATHY 6A; Severe Myoclonic Epilepsy in Infancy (SMEI). Identifiers: Orphanet 33069, MedGen C0751122, MONDO:0100135, OMIM 607208.

Submissions (2):

Genomic Medicine Center of Excellence, King Faisal Specialist Hospital and Research Centre
Classification: Pathogenic for Severe myoclonic epilepsy in infancy. Last evaluated: 2024-09-22. Review status: criteria provided, single submitter. Criteria: ACMG Guidelines, 2015. Collection method: clinical testing. Allele origin: germline.

Labcorp Genetics (formerly Invitae), Labcorp
Classification: Pathogenic for Early-infantile DEE. Last evaluated: 2017-02-20. Review status: criteria provided, single submitter. Criteria: Invitae Variant Classification Sherloc (09022015). Collection method: clinical testing. Allele origin: germline.
Comment: For these reasons, this variant has been classified as Pathogenic. While this particular variant has not been reported in the literature, loss-of-function variants in SCN1A are known to be pathogenic (PMID: 17347258, 18930999). This sequence change deletes 1 nucleotide from exon 23 of the SCN1A mRNA (c.4462delC), causing a frameshift at codon 1488. This creates a premature translational stop signal (p.Gln1488Serfs*13) and is expected to result in an absent or disrupted protein product.

Literature cited by the submitters: PubMed 17347258 (cited by Labcorp Genetics (formerly Invitae), Labcorp); PubMed 18930999 (cited by Labcorp Genetics (formerly Invitae), Labcorp).

NM_001165963.4(SCN1A):c.4462del (p.Gln1488fs)

Genes: SCN1A (sodium voltage-gated channel alpha subunit 1; minus strand), LOC102724058 (uncharacterized LOC102724058; plus strand). Cytogenetic location: 2q24.3.
Variant type: Deletion.
Coding change: c.4462del on transcript NM_001165963.4 (MANE Select); coding-DNA position 4462, one base deleted (C; older notation c.4462delC).
Protein change: p.Gln1488fs; shifts the reading frame from glutamine 1488.
Molecular consequence: frameshift variant. On other transcripts: non-coding transcript variant (1).
Genome position (GRCh38, 1-based): chr2:165,998,052, G deleted on the plus strand (C on the coding strand, the reverse complement: SCN1A is on the minus strand); the first of 2 consecutive G bases (chr2:165,998,052-165,998,053); deleting either gives the same sequence. VCF-style (leftmost placement, unchanged base first): chr2-165998051-TG-T. GRCh37 (hg19) VCF-style: chr2-166854561-TG-T.
Other names: c.4378del, p.Gln1460fs (NM_001165964.3, NM_001353957.2, NM_001353958.2); c.4462del, p.Gln1488fs (NM_001202435.3, NM_001353948.2); c.4429del, p.Gln1477fs (NM_001353949.2, NM_001353950.2, NM_001353951.2 and 2 more transcripts); c.4426del, p.Gln1476fs (NM_001353954.2, NM_001353955.2); c.4375del, p.Gln1459fs (NM_001353960.2); c.2020del, p.Gln674fs (NM_001353961.2); short protein forms Q1459fs, Q1460fs, Q1488fs, Q674fs, Q1476fs, Q1477fs.
Identifiers: ClinVar variation 461272 (VCV000461272.8), dbSNP rs1553522321, ClinGen allele CA658657094.